The following is an entry in ClinVar:

NM_004104.5(FASN):c.5075G>T (p.Gly1692Val)

Gene: FASN (fatty acid synthase; minus strand). Cytogenetic location: 17q25.3.
Variant type: single nucleotide variant.
Coding change: c.5075G>T on transcript NM_004104.5 (MANE Select); coding-DNA position 5075, G replaced by T.
Protein change: p.Gly1692Val; replaces glycine 1692 with valine.
Molecular consequence: missense variant.
Genome position (GRCh38, 1-based): chr17:82,083,998, C>A on the plus strand (G>T on the coding strand, the complement: FASN is on the minus strand). VCF-style: chr17-82083998-C-A. GRCh37 (hg19) VCF-style: chr17-80041874-C-A.
Other names: c.5075G>T (NM_004104.4); short protein forms G1692V.
Identifiers: ClinVar variation 1040380 (VCV001040380.9), dbSNP rs985360673, ClinGen allele CA295128233.

ClinVar aggregate classification (germline): Uncertain significance. Review status: criteria provided, multiple submitters, no conflicts (2 of 4 stars). 2 submissions from 2 submitters: Uncertain significance (2). Last evaluated 2025-08-13.

Conditions:
Epileptic encephalopathy. Identifiers: MedGen C0543888, HP:0200134.

Allele frequency attached by ClinVar (database versions not stated): gnomAD exomes 0.00001; gnomAD 0.00003 and 0.00004; TOPMed 0.00005.
gnomAD v4.1: 9 of 1,539,178 alleles (0.00058%); highest among the groups gnomAD compares: Admixed American, 0.0079%; no homozygotes.

Submissions (2):

Ambry Genetics
Classification: Uncertain significance. Last evaluated: 2025-08-13. Review status: criteria provided, single submitter. Criteria: Ambry Variant Classification Scheme 2023. Collection method: clinical testing. Allele origin: germline.

Labcorp Genetics (formerly Invitae), Labcorp
Classification: Uncertain significance for Epileptic encephalopathy. Last evaluated: 2025-07-06. Review status: criteria provided, single submitter. Criteria: Invitae Variant Classification Sherloc (09022015). Collection method: clinical testing. Allele origin: germline.
Comment: This sequence change replaces glycine, which is neutral and non-polar, with valine, which is neutral and non-polar, at codon 1692 of the FASN protein (p.Gly1692Val). This variant is present in population databases (no rsID available, gnomAD 0.006%). This variant has not been reported in the literature in individuals affected with FASN-related conditions. ClinVar contains an entry for this variant (Variation ID: 1040380). An algorithm developed to predict the effect of missense changes on protein structure and function (PolyPhen-2) suggests that this variant is likely to be disruptive. In summary, the available evidence is currently insufficient to determine the role of this variant in disease. Therefore, it has been classified as a Variant of Uncertain Significance.